The following is an entry in ClinVar:

NM_206933.4(USH2A):c.4036G>A (p.Gly1346Arg)

Genes: USH2A (usherin; minus strand), USH2A-AS1 (USH2A antisense RNA 1; plus strand). Cytogenetic location: 1q41.
Variant type: single nucleotide variant.
Coding change: c.4036G>A on transcript NM_206933.4 (MANE Select); coding-DNA position 4036, G replaced by A.
Protein change: p.Gly1346Arg; replaces glycine 1346 with arginine.
Molecular consequence: missense variant.
Genome position (GRCh38, 1-based): chr1:216,198,360, C>T on the plus strand (G>A on the coding strand, the complement: USH2A is on the minus strand). VCF-style: chr1-216198360-C-T. GRCh37 (hg19) VCF-style: chr1-216371702-C-T.
Other names: c.4036G>A, p.Gly1346Arg (NM_007123.6); short protein forms G1346R.
Identifiers: ClinVar variation 560522 (VCV000560522.7), dbSNP rs1558311789, ClinGen allele CA344866939.
Genomic context (GRCh38, chr1:216,198,360, plus strand): 5'-AACATTGATCTTTACCTGATTCTCCCGTTCTTTCTGAGACCCAGGCAGAAGACACACTTC[C>T]AGCCATATTCACAGCTAAGACTCTGAACTCATACTTGGTGTATGGCTCCAAGCCAGTGAT-3'
Protein context (NP_996816.3, residues 1336-1356): EFRVLAVNMA[Gly1346Arg]SVSSAWVSER

ClinVar aggregate classification (germline): Uncertain significance. Review status: criteria provided, single submitter (1 of 4 stars). 2 submissions from 2 submitters: Uncertain significance (1). 1 of the submissions does not count toward it. Last evaluated 2021-12-13.

Conditions:
Retinitis pigmentosa 39 (RP39). Identifiers: Orphanet 791, MedGen C3151138, MONDO:0013436, OMIM 613809.

Allele frequency attached by ClinVar (database versions not stated): gnomAD exomes below 0.00001.
gnomAD v4.1: 1 of 1,613,984 alleles (0.000062%); highest among the groups gnomAD compares: Non-Finnish European, 0.000085%; no homozygotes.

Submissions (2):

Labcorp Genetics (formerly Invitae), Labcorp
Classification: Uncertain significance. Last evaluated: 2021-12-13. Review status: criteria provided, single submitter. Criteria: Invitae Variant Classification Sherloc (09022015). Collection method: clinical testing. Allele origin: germline.
Comment: In summary, the available evidence is currently insufficient to determine the role of this variant in disease. Therefore, it has been classified as a Variant of Uncertain Significance. Algorithms developed to predict the effect of missense changes on protein structure and function are either unavailable or do not agree on the potential impact of this missense change (SIFT: "Deleterious"; PolyPhen-2: "Probably Damaging"; Align-GVGD: "Class C15"). ClinVar contains an entry for this variant (Variation ID: 560522). This missense change has been observed in individual(s) with retinitis pigmentosa (Invitae). This variant is not present in population databases (gnomAD no frequency). This sequence change replaces glycine, which is neutral and non-polar, with arginine, which is basic and polar, at codon 1346 of the USH2A protein (p.Gly1346Arg).

Joint Genome Diagnostic Labs from Nijmegen and Maastricht, Radboudumc and MUMC+
Classification: Uncertain significance for Retinitis pigmentosa 39. Last evaluated: 2016-09-01. Review status: no assertion criteria provided. Collection method: clinical testing. Allele origin: inherited. Affected: yes. Observed: 1 variant allele. Not counted in ClinVar's aggregate classification.